The following is an entry in ClinVar:

ClinVar aggregate classification (germline): Pathogenic/Likely pathogenic. Review status: criteria provided, multiple submitters, no conflicts (2 of 4 stars). 2 submissions from 2 submitters: Pathogenic (1); Likely pathogenic (1). Last evaluated 2024-02-24.

Conditions:
Retinal dystrophy. Also called: Inherited retinal dystrophy. Identifiers: Orphanet 71862, MedGen C0854723, MeSH D058499, MONDO:0019118, HP:0000556.

Submissions (2):

Labcorp Genetics (formerly Invitae), Labcorp
Classification: Pathogenic. Last evaluated: 2024-02-24. Review status: criteria provided, single submitter. Criteria: Invitae Variant Classification Sherloc (09022015). Collection method: clinical testing. Allele origin: germline.
Comment: This sequence change creates a premature translational stop signal (p.Ser134Argfs*47) in the PCARE gene. It is expected to result in an absent or disrupted protein product. Loss-of-function variants in PCARE are known to be pathogenic (PMID: 20398886, 24339724, 26496393). This variant is present in population databases (rs762973163, gnomAD 0.002%). This premature translational stop signal has been observed in individual(s) with autosomal recessive retinitis pigmentosa (PMID: 28763557). ClinVar contains an entry for this variant (Variation ID: 866401). For these reasons, this variant has been classified as Pathogenic.

Blueprint Genetics
Classification: Likely pathogenic for Retinal dystrophy. Last evaluated: 2019-07-16. Review status: criteria provided, single submitter. Criteria: Blueprint Genetics Variant Classification Scheme. Collection method: clinical testing. Allele origin: germline. Affected: yes.

Literature cited by the submitters: PubMed 20398886 (cited by Labcorp Genetics (formerly Invitae), Labcorp); PubMed 24339724 (cited by Labcorp Genetics (formerly Invitae), Labcorp); PubMed 26496393 (cited by Labcorp Genetics (formerly Invitae), Labcorp); PubMed 28763557 (cited by Labcorp Genetics (formerly Invitae), Labcorp).

NM_001029883.3(PCARE):c.402_405del (p.Ser134fs)

Gene: PCARE (photoreceptor cilium actin regulator; minus strand). Cytogenetic location: 2p23.2.
Variant type: Deletion.
Coding change: c.402_405del on transcript NM_001029883.3 (MANE Select); coding-DNA positions 402 to 405, 4 bases deleted (TGAG; older notation c.402_405delTGAG).
Protein change: p.Ser134fs; shifts the reading frame from serine 134.
Molecular consequence: frameshift variant.
Genome position (GRCh38, 1-based): chr2:29,073,857-29,073,860, CTCA deleted on the plus strand (TGAG on the coding strand, the reverse complement: PCARE is on the minus strand); deleting any 4 consecutive bases within chr2:29,073,857-29,073,863 gives the same sequence; the c. name uses the placement nearest the transcript's 3' end. VCF-style (leftmost placement, unchanged base first): chr2-29073856-CCTCA-C. GRCh37 (hg19) VCF-style: chr2-29296722-CCTCA-C.
Other names: short protein forms S134fs.
Identifiers: ClinVar variation 866401 (VCV000866401.9), dbSNP rs762973163, ClinGen allele CA1592655.